The following is an entry in ClinVar:

NM_001367624.2(ZNF469):c.5605C>T (p.Arg1869Trp)

Gene: ZNF469 (zinc finger protein 469; plus strand). Cytogenetic location: 16q24.2.
Variant type: single nucleotide variant.
Coding change: c.5605C>T on transcript NM_001367624.2 (MANE Select); coding-DNA position 5605, C replaced by T.
Protein change: p.Arg1869Trp; replaces arginine 1869 with tryptophan.
Molecular consequence: missense variant.
Genome position (GRCh38, 1-based): chr16:88,433,075, C>T. VCF-style: chr16-88433075-C-T. GRCh37 (hg19) VCF-style: chr16-88499483-C-T.
Other names: NM_001127464.1:c.5521C>T; short protein forms R1869W.
Identifiers: ClinVar variation 3258199 (VCV003258199.2).

ClinVar aggregate classification (germline): Conflicting classifications of pathogenicity. Review status: criteria provided, conflicting classifications (1 of 4 stars). 2 submissions from 2 submitters: Uncertain significance (1); Likely benign (1). Last evaluated 2026-01-27.

Conditions:
Cardiovascular phenotype. Identifiers: MedGen CN230736.

gnomAD v4.1: 23 of 1,550,186 alleles (0.0015%); highest among the groups gnomAD compares: Middle Eastern, 0.017%; no homozygotes.

Submissions (2):

Women's Health and Genetics/Laboratory Corporation of America, LabCorp
Classification: Uncertain significance. Last evaluated: 2026-01-27. Review status: criteria provided, single submitter. Criteria: LabCorp Variant Classification Summary - May 2015. Collection method: clinical testing. Allele origin: germline.
Comment: Variant summary: ZNF469 c.5605C>T (p.Arg1869Trp) results in a non-conservative amino acid change in the encoded protein sequence. Algorithms developed to predict the effect of missense changes on protein structure and function are either unavailable or do not agree on the potential impact of this missense change. The variant allele was found at a frequency of 6.6e-06 in 151340 control chromosomes. The available data on variant occurrences in the general population are insufficient to allow any conclusion about variant significance. To our knowledge, no occurrence of c.5605C>T in individuals affected with ZNF469-related conditions and no experimental evidence demonstrating its impact on protein function have been reported. ClinVar contains an entry for this variant (Variation ID: 3258199). Based on the evidence outlined above, the variant was classified as uncertain significance.

Ambry Genetics
Classification: Likely benign for Cardiovascular phenotype. Last evaluated: 2024-05-02. Review status: criteria provided, single submitter. Criteria: Ambry Variant Classification Scheme 2023. Collection method: clinical testing. Allele origin: germline.